The following is an entry in ClinVar:

NM_207034.3(EDN3):c.589-4A>G

Gene: EDN3 (endothelin 3; plus strand). Cytogenetic location: 20q13.32.
Variant type: single nucleotide variant.
Coding change: c.589-4A>G on transcript NM_207034.3 (MANE Select); 4 bases into the intron before coding-DNA position 589, A replaced by G.
Molecular consequence: intron variant. On other transcripts: missense variant (1), synonymous variant (2).
Genome position (GRCh38, 1-based): chr20:59,324,327, A>G. VCF-style: chr20-59324327-A-G. GRCh37 (hg19) VCF-style: chr20-57899382-A-G.
Other names: c.589A>G, p.Thr197Ala (NM_001302455.2); c.624A>G, p.Arg208= (NM_001424362.1); c.543A>G, p.Arg181= (NM_207033.3); c.603-4A>G (NM_001424361.1); c.*27-4A>G (NM_001424363.1); c.624-4A>G (NM_207032.3); c.543-4A>G (NM_001302456.2); short protein forms T197A.
Identifiers: ClinVar variation 4982858 (VCV004982858.1).

ClinVar aggregate classification (germline): Uncertain significance (1 of 4 stars; one submission).

Conditions:
EDN3-related disorder. Also called: EDN3-related condition.

Submission:

PreventionGenetics, part of Exact Sciences
Classification: Uncertain significance for EDN3-related condition. Last evaluated: 2024-12-02. Review status: criteria provided, single submitter. Criteria: ACMG Guidelines, 2015. Collection method: clinical testing. Allele origin: germline.
Comment: The EDN3 c.589A>G variant is predicted to result in the amino acid substitution p.Thr197Ala. To our knowledge, this variant has not been reported in the literature. This variant is reported in 0.00088% of alleles in individuals of European (non-Finnish) descent in gnomAD. At this time, the clinical significance of this variant is uncertain due to the absence of conclusive functional and genetic evidence.